The following is an entry in ClinVar:

NM_001003800.2(BICD2):c.2172G>C (p.Glu724Asp)

Gene: BICD2 (BICD cargo adaptor 2; minus strand). Cytogenetic location: 9q22.31.
Variant type: single nucleotide variant.
Coding change: c.2172G>C on transcript NM_001003800.2 (MANE Select); coding-DNA position 2172, G replaced by C.
Protein change: p.Glu724Asp; replaces glutamic acid 724 with aspartic acid.
Molecular consequence: missense variant.
Genome position (GRCh38, 1-based): chr9:92,717,883, C>G on the plus strand (G>C on the coding strand, the complement: BICD2 is on the minus strand). VCF-style: chr9-92717883-C-G. GRCh37 (hg19) VCF-style: chr9-95480165-C-G.
Other names: c.2172G>C, p.Glu724Asp (NM_015250.4); short protein forms E724D.
Identifiers: ClinVar variation 541290 (VCV000541290.15), dbSNP rs201335175, ClinGen allele CA5126377.

ClinVar aggregate classification (germline): Conflicting classifications of pathogenicity. Review status: criteria provided, conflicting classifications (1 of 4 stars). 4 submissions from 4 submitters: Uncertain significance (1); Likely benign (2). 1 of the submissions does not count toward it. Last evaluated 2026-05-07.

Conditions:
Inborn genetic diseases. Identifiers: MedGen C0950123, MeSH D030342.
BICD2-related disorder. Also called: BICD2-related condition.
Autosomal dominant childhood-onset proximal spinal muscular atrophy with contractures (SMALED2A). Also called: SPINAL MUSCULAR ATROPHY, LOWER EXTREMITY-PREDOMINANT, 2A, CHILDHOOD ONSET, AUTOSOMAL DOMINANT; Spinal muscular atrophy, lower extremity-predominant, 2A, autosomal dominant. Identifiers: Orphanet 363447, Orphanet 363454, MedGen C4747715, MONDO:0014121, OMIM 615290.

Allele frequency attached by ClinVar (database versions not stated): gnomAD 0.00009 and 0.00008; gnomAD exomes 0.00011 and 0.00006; ExAC 0.00007; TOPMed 0.00010.
gnomAD v4.1: 107 of 1,613,358 alleles (0.0066%); highest among the groups gnomAD compares: Admixed American, 0.0033%; no homozygotes.

Submissions (4):

Women's Health and Genetics/Laboratory Corporation of America, LabCorp
Classification: Uncertain significance. Last evaluated: 2026-05-07. Review status: criteria provided, single submitter. Criteria: LabCorp Variant Classification Summary - May 2015. Collection method: clinical testing. Allele origin: germline.
Comment: Variant summary: BICD2 c.2172G>C (p.Glu724Asp) results in a conservative amino acid change in the encoded protein sequence. Algorithms developed to predict the effect of missense changes on protein structure and function are either unavailable or do not agree on the potential impact of this missense change. The variant allele was found at a frequency of 0.00011 in 251378 control chromosomes, predominantly at a frequency of 3.5e-05 within the Non-Finnish European subpopulation in the gnomAD database. The available data on variant occurrences in the general population are insufficient to allow any conclusion about variant significance. To our knowledge, no occurrence of c.2172G>C in individuals affected with BICD2-related conditions and no experimental evidence demonstrating its impact on protein function have been reported. ClinVar contains an entry for this variant (Variation ID: 541290). Based on the evidence outlined above, the variant was classified as uncertain significance.

Labcorp Genetics (formerly Invitae), Labcorp
Classification: Likely benign for Autosomal dominant childhood-onset proximal spinal muscular atrophy with contractures. Last evaluated: 2025-12-29. Review status: criteria provided, single submitter. Criteria: Invitae Variant Classification Sherloc (09022015). Collection method: clinical testing. Allele origin: germline.

Ambry Genetics
Classification: Likely benign for Inborn genetic diseases. Last evaluated: 2021-07-16. Review status: criteria provided, single submitter. Criteria: Ambry Variant Classification Scheme 2023. Collection method: clinical testing. Allele origin: germline.

PreventionGenetics, part of Exact Sciences
Classification: Likely benign for BICD2-related condition. Last evaluated: 2024-03-21. Review status: no assertion criteria provided. Collection method: clinical testing. Allele origin: germline. Not counted in ClinVar's aggregate classification.
Comment: This variant is classified as likely benign based on ACMG/AMP sequence variant interpretation guidelines (Richards et al. 2015 PMID: 25741868, with internal and published modifications).